The following is an entry in ClinVar:

ClinVar aggregate classification (germline): Uncertain significance (1 of 4 stars; one submission).

Submission:

GeneDx
Classification: Uncertain significance. Last evaluated: 2023-06-30. Review status: criteria provided, single submitter. Criteria: GeneDx Variant Classification Process June 2021. Collection method: clinical testing. Allele origin: germline. Affected: yes.
Comment: Not observed at significant frequency in large population cohorts (gnomAD); In silico analysis supports that this missense variant has a deleterious effect on protein structure/function; Has not been previously published as pathogenic or benign to our knowledge; Variants in candidate genes are classified as variants of uncertain significance in accordance with ACMG guidelines (Richards et al., 2015)

NM_019045.5(WDR44):c.2107A>C (p.Asn703His)

Gene: WDR44 (WD repeat domain 44; plus strand). Cytogenetic location: Xq24.
Variant type: single nucleotide variant.
Coding change: c.2107A>C on transcript NM_019045.5 (MANE Select); coding-DNA position 2107, A replaced by C.
Protein change: p.Asn703His; replaces asparagine 703 with histidine.
Molecular consequence: missense variant. On other transcripts: intron variant (1).
Genome position (GRCh38, 1-based): chrX:118,441,500, A>C. VCF-style: chrX-118441500-A-C. GRCh37 (hg19) VCF-style: chrX-117575463-A-C.
Other names: c.2107A>C, p.Asn703His (NM_001184965.2); c.1900-744A>C (NM_001184966.1); short protein forms N703H.
Identifiers: ClinVar variation 3360630 (VCV003360630.1).
Genomic context (GRCh38, chrX:118,441,500, plus strand): 5'-GCTTTGTGGAATGAAGTAGATGGTCAGACAAAATTGATCACAGCTGCAAATTTCTGTCAG[A>C]ATGGCAAATATGCAGTGATTGGGACATATGATGGCAGATGTATTTTCTATGATACAGAGG-3'
Protein context (NP_061918.3, residues 693-713): KLITAANFCQ[Asn703His]GKYAVIGTYD